The following is an entry in ClinVar:

ClinVar aggregate classification (germline): Uncertain significance. Review status: criteria provided, multiple submitters, no conflicts (2 of 4 stars). 3 submissions from 3 submitters: Uncertain significance (3). Last evaluated 2025-01-30.

Conditions:
Cardiovascular phenotype. Identifiers: MedGen CN230736.
Dilated cardiomyopathy 1J (CMD1J). Also called: CARDIOMYOPATHY, DILATED, WITH SENSORINEURAL HEARING LOSS, AUTOSOMAL DOMINANT. Identifiers: Orphanet 217622, MedGen C1854368, MONDO:0011541, OMIM 605362.

Allele frequency attached by ClinVar (database versions not stated): ExAC 0.00001; gnomAD 0.00001; gnomAD exomes 0.00001; TOPMed 0.00002; 1000 Genomes Project 30x 0.00016; 1000 Genomes Project 0.00020.
gnomAD v4.1: 7 of 1,611,618 alleles (0.00043%); highest among the groups gnomAD compares: South Asian, 0.0022%; no homozygotes.

Submissions (3):

Labcorp Genetics (formerly Invitae), Labcorp
Classification: Uncertain significance for Dilated cardiomyopathy 1J. Last evaluated: 2025-01-30. Review status: criteria provided, single submitter. Criteria: Invitae Variant Classification Sherloc (09022015). Collection method: clinical testing. Allele origin: germline.
Comment: This sequence change replaces arginine, which is basic and polar, with cysteine, which is neutral and slightly polar, at codon 370 of the EYA4 protein (p.Arg370Cys). This variant is present in population databases (rs576607924, gnomAD 0.004%). This variant has not been reported in the literature in individuals affected with EYA4-related conditions. ClinVar contains an entry for this variant (Variation ID: 1383185). An algorithm developed to predict the effect of missense changes on protein structure and function (PolyPhen-2) suggests that this variant is likely to be disruptive. In summary, the available evidence is currently insufficient to determine the role of this variant in disease. Therefore, it has been classified as a Variant of Uncertain Significance.

GeneDx
Classification: Uncertain significance. Last evaluated: 2024-05-24. Review status: criteria provided, single submitter. Criteria: GeneDx Variant Classification Process June 2021. Collection method: clinical testing. Allele origin: germline. Affected: yes.
Comment: Not observed at significant frequency in large population cohorts (gnomAD); In silico analysis supports that this missense variant has a deleterious effect on protein structure/function; Has not been previously published as pathogenic or benign to our knowledge

Ambry Genetics
Classification: Uncertain significance for Cardiovascular phenotype. Last evaluated: 2023-11-13. Review status: criteria provided, single submitter. Criteria: Ambry Variant Classification Scheme 2023. Collection method: clinical testing. Allele origin: germline.
Comment: The p.R370C variant (also known as c.1108C>T) is located in coding exon 12 of the EYA4 gene. The arginine at codon 370 is replaced by cysteine, an amino acid with highly dissimilar properties. This change occurs in the first base pair of coding exon 12. This amino acid position is highly conserved in available vertebrate species. In addition, this alteration is predicted to be deleterious by in silico analysis. Since supporting evidence is limited at this time, the clinical significance of this alteration remains unclear.

NM_004100.5(EYA4):c.1108C>T (p.Arg370Cys)

Gene: EYA4 (EYA transcriptional coactivator and phosphatase 4; plus strand). Cytogenetic location: 6q23.2.
Variant type: single nucleotide variant.
Coding change: c.1108C>T on transcript NM_004100.5 (MANE Select); coding-DNA position 1108, C replaced by T.
Protein change: p.Arg370Cys; replaces arginine 370 with cysteine.
Molecular consequence: missense variant.
Genome position (GRCh38, 1-based): chr6:133,483,032, C>T. VCF-style: chr6-133483032-C-T. GRCh37 (hg19) VCF-style: chr6-133804170-C-T.
Other names: c.946C>T, p.Arg316Cys (NM_001301012.2); c.1126C>T, p.Arg376Cys (NM_001301013.2); c.1039C>T, p.Arg347Cys (NM_001370458.1, NM_172103.4); c.964C>T, p.Arg322Cys (NM_001370459.1); c.1108C>T, p.Arg370Cys (NM_172105.4); c.1108C>T (NM_004100.4); short protein forms R376C, R316C, R322C, R347C, R370C.
Identifiers: ClinVar variation 1383185 (VCV001383185.8), dbSNP rs576607924, ClinGen allele CA4008258.
Genomic context (GRCh38, chr6:133,483,032, plus strand): 5'-TAAAGAGATTTCTGTTTCCTTGGACTTTTTAATTTTCTGATATTTATTTTTTGTCTTCAG[C>T]GTGTGTTTGTCTGGGATTTGGATGAAACCATCATTGTTTTTCACTCACTGCTCACCGGGT-3'
Protein context (NP_004091.3, residues 360-380): PSPPPDSDLE[Arg370Cys]VFVWDLDETI